The following is an entry in ClinVar:

ClinVar aggregate classification (germline): Uncertain significance (1 of 4 stars; one submission).

Submission:

Labcorp Genetics (formerly Invitae), Labcorp
Classification: Uncertain significance. Last evaluated: 2022-03-04. Review status: criteria provided, single submitter. Criteria: Invitae Variant Classification Sherloc (09022015). Collection method: clinical testing. Allele origin: germline.
Comment: A copy number gain of the genomic region encompassing the full coding sequence of the NLRP1 gene has been identified. The boundaries of this event are unknown as they extend beyond the assayed region for this gene and therefore may encompass additional genes. As the precise location of this event is unknown, it may be in tandem or it may be located elsewhere in the genome. This variant has not been reported in the literature in individuals affected with NLRP1-related conditions. Experimental studies and prediction algorithms are not available or were not evaluated, and the functional significance of this variant is currently unknown. In summary, the available evidence is currently insufficient to determine the role of this variant in disease. Therefore, it has been classified as a Variant of Uncertain Significance.

NC_000017.10:g.(?_5418074)_(5487277_?)dup

Gene: NLRP1 (NLR family pyrin domain containing 1; minus strand). Cytogenetic location: 17p13.2.
Variant type: Duplication.
Identifiers: ClinVar variation 2427090 (VCV002427090.3).